The following is an entry in ClinVar:

ClinVar aggregate classification (germline): Pathogenic. Review status: criteria provided, multiple submitters, no conflicts (2 of 4 stars). 17 submissions from 17 submitters: Pathogenic (15). 2 of the submissions do not count toward it. Last evaluated 2026-09-15.

Conditions:
GNE myopathy (NM). Also called: MYOPATHY, DISTAL, WITH OR WITHOUT RIMMED VACUOLES; NONAKA DISTAL MYOPATHY; IBM 2; Inclusion body myopathy autosomal recessive; Inclusion body myopathy quadriceps sparing; INCLUSION BODY MYOPATHY, HEREDITARY, AUTOSOMAL RECESSIVE. Identifiers: Orphanet 602, MedGen C1853926, MONDO:0011603, OMIM 605820.
Thrombocytopenia 12 with or without myopathy (THC12). Identifiers: MedGen C5935593, MONDO:0958325, OMIM 620757.
GNE-related disorders.
GNE-related disorder. Also called: GNE-related condition.
Sialuria. Also called: Sialic Acid Storage Disease; SIALURIA, FRENCH TYPE. Identifiers: Orphanet 3166, MedGen C0342853, MONDO:0010028, OMIM 269921.

Allele frequency attached by ClinVar (database versions not stated): gnomAD exomes below 0.00001 and 0.00002; ExAC 0.00001; gnomAD 0.00002 and 0.00003; TOPMed 0.00002.
gnomAD v4.1: 37 of 1,614,048 alleles (0.0023%); highest among the groups gnomAD compares: South Asian, 0.014%; no homozygotes.

Submissions 1 to 12 of 17:

PreventionGenetics, part of Exact Sciences
Classification: Pathogenic for GNE-related condition. Last evaluated: 2026-09-15. Review status: criteria provided, single submitter. Criteria: ACMG Guidelines, 2015. Collection method: clinical testing. Allele origin: germline.
Comment: The GNE c.1853T>C variant is predicted to result in the amino acid substitution p.Ile618Thr. This variant [g.36219891A>G, also known as c.1760T>C (p.Ile587Thr) via alternative transcript NM_005476.5] has been reported in many individuals in the compound heterozygous or homozygous state to be causative for GNE myopathy (Grandis et al. 2010. PubMed ID: 20300792; Celeste et al. 2014. PubMed ID: 24796702; Cho et al. 2013. PubMed ID: 24027297; Evilä et al. 2016. PubMed ID: 26627873). This variant has been reported in 1 heterozygous individual within the ‘other’ subpopulation in gnomAD and is interpreted as pathogenic by multiple laboratories in ClinVar (ClinVar ID: 88882). In summary, the c.1853T>C variant is pathogenic for autosomal recessive GNE myopathy.

3billion
Classification: Pathogenic for GNE-related disorder. Last evaluated: 2025-11-17. Review status: criteria provided, single submitter. Criteria: ACMG Guidelines, 2015. Collection method: clinical testing. Allele origin: germline. Affected: yes.
Comment: The variant is observed at an extremely low frequency in the gnomAD v4.1.0 dataset (total allele frequency: 0.002%). Predicted Consequence/Location: Missense variant In silico tool predictions suggest damaging effect of the variant on gene or gene product [REVEL: 0.72 (>=0.6, sensitivity 0.68 and specificity 0.92); 3Cnet: 0.99 (> 0.75, sensitivity 0.96 and precision 0.92)]. The same nucleotide change resulting in the same amino acid change has been previously reported as pathogenic/likely pathogenic with strong evidence (ClinVar ID: VCV000188882 /PMID: 12497639 /3billion dataset). The variant has been reported to be in trans with a pathogenic variant as either compound heterozygous or homozygous in at least one similarly affected unrelated individual (PMID: 12497639, 26231298). A different missense change at the same codon (p.Ile587Asn) have been reported to be associated with GNE-related disorder (PMID: 24027297). Therefore, this variant is classified as Pathogenic according to the recommendation of ACMG/AMP guideline.

Labcorp Genetics (formerly Invitae), Labcorp
Classification: Pathogenic for Sialuria; GNE myopathy. Last evaluated: 2025-11-01. Review status: criteria provided, single submitter. Criteria: Invitae Variant Classification Sherloc (09022015). Collection method: clinical testing. Allele origin: germline.
Comment: This sequence change replaces isoleucine, which is neutral and non-polar, with threonine, which is neutral and polar, at codon 618 of the GNE protein (p.Ile618Thr). This variant is present in population databases (rs748949603, gnomAD 0.002%). This missense change has been observed in individuals with autosomal recessive myopathy (PMID: 12497639, 24695763, 26231298). It has also been observed to segregate with disease in related individuals. This variant is also known as c.1811T>C (Ile587Thr). ClinVar contains an entry for this variant (Variation ID: 188882). Invitae Evidence Modeling of protein sequence and biophysical properties (such as structural, functional, and spatial information, amino acid conservation, physicochemical variation, residue mobility, and thermodynamic stability) has been performed for this missense variant. However, the output from this modeling did not meet the statistical confidence thresholds required to predict the impact of this variant on GNE protein function. Experimental studies have shown that this missense change affects GNE function (PMID: 16503651). For these reasons, this variant has been classified as Pathogenic.

Natera, Inc.
Classification: Pathogenic for Nonaka myopathy. Last evaluated: 2025-09-22. Review status: criteria provided, single submitter. Criteria: Natera Variant Classification Schema (03/2026). Collection method: clinical testing. Allele origin: germline.
Comment: The c.1853T>C variant in GNE is a missense variant predicted to cause substitution of isoleucine to threonine at amino acid 618. This variant is rare in the general population with a frequency below the threshold expected for the associated phenotype(s). This variant has been observed in one or more individuals affected with the associated recessive disease, as either homozygous or compound heterozygous with a second variant (PMID: 33250842). Given the available evidence, this variant is classified as Pathogenic.

Dasa
Classification: Pathogenic. Last evaluated: 2025-04-16. Review status: criteria provided, single submitter. Criteria: DASA Assertion Criteria. Collection method: clinical testing. Allele origin: germline.
Comment: NM_005476.7(GNE):c.1760T>C (p.Ile587Thr) is a missense variant that results in the substitution of isoleucine with threonine. The affected residue or protein region has prior evidence supporting clinical relevance. This variant has been observed in affected individuals with related phenotype in a genotype context consistent with recessive disease (PMID: 35398442; PMID: 24695763; PMID: 32419263; PMID: 29480215; PMID: 30842975). This variant has been recurrently observed in individuals with related phenotype (PMID: 35398442; PMID: 24695763; PMID: 32419263; PMID: 29480215; PMID: 30842975). Multiple computational predictions support a deleterious effect on the gene or gene product. The variant is present at low frequency in population datasets. Based on the available data, this variant is classified as pathogenic.

First Genomix Gene Laboratory, Genetic Diagnostics Department
Classification: Pathogenic for GNE myopathy; Thrombocytopenia 12 with or without myopathy. Last evaluated: 2025-04-15. Review status: criteria provided, single submitter. Criteria: ACMG Guidelines, 2015. Collection method: clinical testing. Allele origin: germline. Inheritance: Autosomal recessive inheritance. Affected: no. Observed: 1 variant allele.

Blueprint Genetics
Classification: Pathogenic for GNE-related disorders. Last evaluated: 2024-08-19. Review status: criteria provided, single submitter. Criteria: ACMG Guidelines, 2015. Collection method: clinical testing. Allele origin: germline. Affected: yes. Observed: 3 variant alleles.

Fulgent Genetics
Classification: Pathogenic for Sialuria; GNE myopathy; Thrombocytopenia 12 with or without myopathy. Last evaluated: 2024-05-14. Review status: criteria provided, single submitter. Criteria: ACMG Guidelines, 2015. Collection method: clinical testing. Allele origin: germline.

Baylor Genetics
Classification: Pathogenic for GNE myopathy. Last evaluated: 2024-03-10. Review status: criteria provided, single submitter. Criteria: ACMG Guidelines, 2015. Collection method: clinical testing. Allele origin: unknown.

GeneDx
Classification: Pathogenic. Last evaluated: 2024-01-09. Review status: criteria provided, single submitter. Criteria: GeneDx Variant Classification Process June 2021. Collection method: clinical testing. Allele origin: germline. Affected: yes.
Comment: Published functional studies demonstrate that the variant results in impaired protein function (PMID: 16503651); Not observed at significant frequency in large population cohorts (gnomAD); In silico analysis supports that this missense variant does not alter protein structure/function; This variant is associated with the following publications: (PMID: 24796702, 31561939, 19917666, 22231866, 27854221, 29431110, 32403337, 33250842, 33197058, 35138478, 35723113, 26231298, 24695763, 26627873, 16503651, 29480215, 35503500, 12497639, 35398442)

Revvity Omics, Revvity
Classification: Pathogenic. Last evaluated: 2024-01-02. Review status: criteria provided, single submitter. Criteria: ACMG Guidelines, 2015. Collection method: clinical testing. Allele origin: germline.

Neuberg Centre For Genomic Medicine, NCGM
Classification: Pathogenic for GNE myopathy. Last evaluated: 2023-05-20. Review status: criteria provided, single submitter. Criteria: ACMG Guidelines, 2015. Collection method: clinical testing. Allele origin: germline. Inheritance: Autosomal recessive inheritance. Affected: yes.
Comment: The observed missense c.1760T>C(p.Ile587Thr) variant in GNE gene has been reported previously in homozygous state in individual(s) affected with GNE myopathy (Chamova et al., 2015). Experimental studies have shown that this missense change affects GNE function (Penner et al., 2006). This variant is reported with the allele frequency of 0.0004% in the gnomAD Exomes. This variant has been reported to the ClinVar database as Pathogenic by multiple submitters. The amino acid Ile at position 587 is changed to a Thr changing protein sequence and it might alter its composition and physico-chemical properties. The amino acid change p.Ile587Thr in GNE is predicted as conserved by GERP++ and PhyloP across 100 vertebrates. Computational evidence (Polyphen - Benign, SIFT - Damaging, and MutationTaster - Disease causing) predicts conflicting evidence on protein structure and function for this variant. For these reasons, this variant has been classified as Pathogenic.

NM_005476.7(GNE):c.1760T>C (p.Ile587Thr)

Gene: GNE (glucosamine (UDP-N-acetyl)-2-epimerase/N-acetylmannosamine kinase; minus strand). Cytogenetic location: 9p13.3.
Variant type: single nucleotide variant.
Coding change: c.1760T>C on transcript NM_005476.7 (MANE Select); coding-DNA position 1760, T replaced by C.
Protein change: p.Ile587Thr; replaces isoleucine 587 with threonine.
Molecular consequence: missense variant.
Genome position (GRCh38, 1-based): chr9:36,219,894, A>G on the plus strand (T>C on the coding strand, the complement: GNE is on the minus strand). VCF-style: chr9-36219894-A-G. GRCh37 (hg19) VCF-style: chr9-36219891-A-G.
Other names: c.1853T>C, p.Ile618Thr (NM_001128227.3); c.1538T>C, p.Ile513Thr (NM_001190383.3); c.1430T>C, p.Ile477Thr (NM_001190384.3); c.1583T>C, p.Ile528Thr (NM_001190388.2, NM_001374798.1); c.1607T>C, p.Ile536Thr (NM_001374797.1); short protein forms I587T, I618T, I477T, I513T, I528T, I536T.
Identifiers: ClinVar variation 188882 (VCV000188882.74), dbSNP rs748949603, ClinGen allele CA274075.